The following is an entry in ClinVar:

NM_001457.4(FLNB):c.6557G>A (p.Gly2186Glu)

Gene: FLNB (filamin B; plus strand). Cytogenetic location: 3p14.3.
Variant type: single nucleotide variant.
Coding change: c.6557G>A on transcript NM_001457.4 (MANE Select); coding-DNA position 6557, G replaced by A.
Protein change: p.Gly2186Glu; replaces glycine 2186 with glutamic acid.
Molecular consequence: missense variant.
Genome position (GRCh38, 1-based): chr3:58,153,564, G>A. VCF-style: chr3-58153564-G-A. GRCh37 (hg19) VCF-style: chr3-58139291-G-A.
Other names: c.6650G>A, p.Gly2217Glu (NM_001164317.2); c.6524G>A, p.Gly2175Glu (NM_001164318.2); c.6485G>A, p.Gly2162Glu (NM_001164319.2); short protein forms G2175E, G2162E, G2186E, G2217E.
Identifiers: ClinVar variation 2866515 (VCV002866515.3), dbSNP rs2471223714, ClinGen allele CA353359577.

ClinVar aggregate classification (germline): Uncertain significance (1 of 4 stars; one submission).

Submission:

Labcorp Genetics (formerly Invitae), Labcorp
Classification: Uncertain significance. Last evaluated: 2023-05-20. Review status: criteria provided, single submitter. Criteria: Invitae Variant Classification Sherloc (09022015). Collection method: clinical testing. Allele origin: germline.
Comment: In summary, the available evidence is currently insufficient to determine the role of this variant in disease. Therefore, it has been classified as a Variant of Uncertain Significance. Advanced modeling of protein sequence and biophysical properties (such as structural, functional, and spatial information, amino acid conservation, physicochemical variation, residue mobility, and thermodynamic stability) performed at Invitae indicates that this missense variant is not expected to disrupt FLNB protein function. This variant has not been reported in the literature in individuals affected with FLNB-related conditions. This variant is not present in population databases (gnomAD no frequency). This sequence change replaces glycine, which is neutral and non-polar, with glutamic acid, which is acidic and polar, at codon 2186 of the FLNB protein (p.Gly2186Glu).